The following is an entry in ClinVar:

ClinVar aggregate classification (germline): Likely benign. Review status: criteria provided, multiple submitters, no conflicts (2 of 4 stars). 3 submissions from 3 submitters: Likely benign (3). Last evaluated 2026-04-28.

Conditions:
CYP4V2-related disorder. Also called: CYP4V2-related condition; CYP4V2-related disorders.

Allele frequency attached by ClinVar (database versions not stated): gnomAD exomes 0.00001 and 0.00006; ExAC 0.00018; gnomAD 0.00021 and 0.00024; ESP Exome Variant Server 0.00024; 1000 Genomes Project 30x 0.00031.

Submissions (3):

PreventionGenetics, part of Exact Sciences
Classification: Likely benign for CYP4V2-related condition. Last evaluated: 2026-04-28. Review status: criteria provided, single submitter. Criteria: ACMG Guidelines, 2015. Collection method: clinical testing. Allele origin: germline.
Comment: This variant is classified as likely benign based on ACMG/AMP sequence variant interpretation guidelines (Richards et al. 2015 PMID: 25741868, with internal and published modifications).

Blueprint Genetics
Classification: Likely benign. Last evaluated: 2024-11-22. Review status: criteria provided, single submitter. Criteria: ACMG Guidelines, 2015. Collection method: clinical testing. Allele origin: germline.

Labcorp Genetics (formerly Invitae), Labcorp
Classification: Likely benign. Last evaluated: 2024-11-04. Review status: criteria provided, single submitter. Criteria: Invitae Variant Classification Sherloc (09022015). Collection method: clinical testing. Allele origin: germline.

NM_207352.4(CYP4V2):c.168C>G (p.Ala56=)

Gene: CYP4V2 (cytochrome P450 family 4 subfamily V member 2; plus strand). Cytogenetic location: 4q35.1.
Variant type: single nucleotide variant.
Coding change: c.168C>G on transcript NM_207352.4 (MANE Select); coding-DNA position 168, C replaced by G.
Protein change: p.Ala56=; no amino-acid change (alanine 56 retained).
Molecular consequence: synonymous variant.
Genome position (GRCh38, 1-based): chr4:186,191,991, C>G. VCF-style: chr4-186191991-C-G. GRCh37 (hg19) VCF-style: chr4-187113145-C-G.
Other names: c.168C>G (NM_207352.3).
Identifiers: ClinVar variation 1149578 (VCV001149578.11), dbSNP rs369484576, ClinGen allele CA3162431.
Genomic context (GRCh38, chr4:186,191,991, plus strand): 5'-GGTGGCGAGCTACGCGCGGAAATGGCAGCAGATGCGGCCCATCCCCACGGTGGCCCGCGC[C>G]TACCCACTGGTGGGCCACGCGCTGCTGATGAAGCCGGACGGGCGAGGTAAGGGCCGGCGC-3'
Protein context (NP_997235.3, residues 46-66): QMRPIPTVAR[Ala56=]YPLVGHALLM